The following is an entry in ClinVar:

NM_152641.4(ARID2):c.3037C>T (p.Gln1013Ter)

Gene: ARID2 (AT-rich interaction domain 2; plus strand). Cytogenetic location: 12q12.
Variant type: single nucleotide variant.
Coding change: c.3037C>T on transcript NM_152641.4 (MANE Select); coding-DNA position 3037, C replaced by T.
Protein change: p.Gln1013Ter; replaces glutamine 1013 with a stop codon.
Molecular consequence: nonsense.
Genome position (GRCh38, 1-based): chr12:45,851,160, C>T. VCF-style: chr12-45851160-C-T. GRCh37 (hg19) VCF-style: chr12-46244943-C-T.
Other names: c.3037C>T, p.Gln1013Ter (NM_001347839.2); short protein forms Q1013*.
Identifiers: ClinVar variation 1320209 (VCV001320209.1), dbSNP rs2138168418, ClinGen allele CA384482024.

ClinVar aggregate classification (germline): Likely pathogenic (1 of 4 stars; one submission).

Conditions:
Coffin-Siris syndrome 6. Identifiers: MedGen C4540499, MONDO:0033492, OMIM 617808.

Submission:

3billion
Classification: Likely pathogenic for Coffin-Siris syndrome 6. Last evaluated: 2021-10-02. Review status: criteria provided, single submitter. Criteria: ACMG Guidelines, 2015. Collection method: clinical testing. Allele origin: unknown. Affected: yes. Observed: 1 heterozygote.
Comment: Stop-gained (nonsense): predicted to result in a loss or disruption of normal protein function through nonsense-mediated decay (NMD) or protein truncation. Multiple pathogenic variants are reported downstream of the variant (PVS1_VS). It is not observed in the gnomAD v2.1.1 dataset (PM2). Therefore, this variant is classified as likely pathogenic according to the recommendation of ACMG/AMP guideline.